The following is an entry in ClinVar:

ClinVar aggregate classification (germline): Benign/Likely benign. Review status: criteria provided, multiple submitters, no conflicts (2 of 4 stars). 3 submissions from 3 submitters: Benign (1); Likely benign (2). Last evaluated 2026-07-14.

Conditions:
Hereditary cancer-predisposing syndrome. Also called: Hereditary Cancer Syndrome; Hereditary neoplastic syndrome; Neoplastic Syndromes, Hereditary; Tumor predisposition. Identifiers: Orphanet 140162, MedGen C0027672, MeSH D009386, MONDO:0015356.
Rhabdoid tumor predisposition syndrome 2 (RTPS2). Identifiers: Orphanet 231108, Orphanet 69077, MedGen C2750074, MONDO:0013224, OMIM 613325.

Allele frequency attached by ClinVar (database versions not stated): gnomAD exomes below 0.00001 and 0.00003; TOPMed below 0.00001; gnomAD 0.00001.
gnomAD v4.1: 39 of 1,614,074 alleles (0.0024%); highest among the groups gnomAD compares: Non-Finnish European, 0.0033%; no homozygotes.

Submissions (3):

Myriad Genetics, Inc.
Classification: Benign for Rhabdoid tumor predisposition syndrome 2. Last evaluated: 2026-07-14. Review status: criteria provided, single submitter. Criteria: Myriad Autosomal Dominant, Autosomal Recessive and X-Linked Classification Criteria (2023). Collection method: clinical testing. Allele origin: unknown.
Comment: This variant is considered benign. This variant is a silent/synonymous amino acid change and it is not expected to impact splicing.

Labcorp Genetics (formerly Invitae), Labcorp
Classification: Likely benign for Rhabdoid tumor predisposition syndrome 2. Last evaluated: 2025-12-22. Review status: criteria provided, single submitter. Criteria: Invitae Variant Classification Sherloc (09022015). Collection method: clinical testing. Allele origin: germline.

Ambry Genetics
Classification: Likely benign for Hereditary cancer-predisposing syndrome. Last evaluated: 2017-11-24. Review status: criteria provided, single submitter. Criteria: Ambry Variant Classification Scheme 2023. Collection method: clinical testing. Allele origin: germline.

NM_003072.5(SMARCA4):c.3363T>C (p.Phe1121=)

Gene: SMARCA4 (SWI/SNF related BAF chromatin remodeling complex subunit ATPase 4; plus strand). Cytogenetic location: 19p13.2.
Variant type: single nucleotide variant.
Coding change: c.3363T>C on transcript NM_003072.5 (MANE Select); coding-DNA position 3363, T replaced by C.
Protein change: p.Phe1121=; no amino-acid change (phenylalanine 1121 retained).
Molecular consequence: synonymous variant. On other transcripts: non-coding transcript variant (1).
Genome position (GRCh38, 1-based): chr19:11,027,931, T>C. VCF-style: chr19-11027931-T-C. GRCh37 (hg19) VCF-style: chr19-11138607-T-C.
Other names: c.3363T>C, p.Phe1121= (NM_001128844.3, NM_001128845.2, NM_001128846.2 and 5 more transcripts).
Identifiers: ClinVar variation 415074 (VCV000415074.17), dbSNP rs752360266, ClinGen allele CA16615938.